The following is an entry in ClinVar:

ClinVar aggregate classification (germline): Uncertain significance (1 of 4 stars; one submission).

Conditions:
Charcot-Marie-Tooth disease axonal type 2U. Also called: CHARCOT-MARIE-TOOTH NEUROPATHY, TYPE 2U; CHARCOT-MARIE-TOOTH DISEASE, AXONAL, AUTOSOMAL DOMINANT, TYPE 2U. Identifiers: Orphanet 397735, MedGen C4084821, MONDO:0014566, OMIM 616280.
Severe early-onset pulmonary alveolar proteinosis due to MARS deficiency. Also called: PULMONARY ALVEOLAR PROTEINOSIS, REUNION ISLAND; Interstitial lung and liver disease. Identifiers: Orphanet 440427, MedGen C4225400, MONDO:0014206, OMIM 615486.

Allele frequency attached by ClinVar (database versions not stated): TOPMed below 0.00001; gnomAD exomes 0.00002; gnomAD 0.00003; ExAC 0.00007; 1000 Genomes Project 0.00040.
gnomAD v4.1: 39 of 1,614,104 alleles (0.0024%); highest among the groups gnomAD compares: South Asian, 0.038%; no homozygotes.

Submission:

Labcorp Genetics (formerly Invitae), Labcorp
Classification: Uncertain significance for Charcot-Marie-Tooth disease axonal type 2U; Severe early-onset pulmonary alveolar proteinosis due to MARS deficiency. Last evaluated: 2023-11-02. Review status: criteria provided, single submitter. Criteria: Invitae Variant Classification Sherloc (09022015). Collection method: clinical testing. Allele origin: germline.
Comment: This sequence change replaces histidine, which is basic and polar, with tyrosine, which is neutral and polar, at codon 693 of the MARS protein (p.His693Tyr). This variant is present in population databases (rs559534109, gnomAD 0.04%). This variant has not been reported in the literature in individuals affected with MARS-related conditions. ClinVar contains an entry for this variant (Variation ID: 2174263). An algorithm developed to predict the effect of missense changes on protein structure and function (PolyPhen-2) suggests that this variant is likely to be tolerated. In summary, the available evidence is currently insufficient to determine the role of this variant in disease. Therefore, it has been classified as a Variant of Uncertain Significance.

NM_004990.4(MARS1):c.2077C>T (p.His693Tyr)

Gene: MARS1 (methionyl-tRNA synthetase 1; plus strand). Cytogenetic location: 12q13.3.
Variant type: single nucleotide variant.
Coding change: c.2077C>T on transcript NM_004990.4 (MANE Select); coding-DNA position 2077, C replaced by T.
Protein change: p.His693Tyr; replaces histidine 693 with tyrosine.
Molecular consequence: missense variant.
Genome position (GRCh38, 1-based): chr12:57,514,829, C>T. VCF-style: chr12-57514829-C-T. GRCh37 (hg19) VCF-style: chr12-57908612-C-T.
Other names: short protein forms H693Y.
Identifiers: ClinVar variation 2174263 (VCV002174263.4), dbSNP rs559534109, ClinGen allele CA6650695.
Genomic context (GRCh38, chr12:57,514,829, plus strand): 5'-GTGCTCACCCCTGATGATCAGCGCCTGCTGGCCCATGTCACCCTGGAGCTCCAGCACTAT[C>T]ACCAGCTACTTGAGAAGGTTCGGTAAGTAACTGACACCTCTGTCTTTTCTGCTGGCATGT-3'
Protein context (NP_004981.2, residues 683-703): AHVTLELQHY[His693Tyr]QLLEKVRIRD